The following is an entry in ClinVar:

ClinVar aggregate classification (germline): Conflicting classifications of pathogenicity. Review status: criteria provided, conflicting classifications (1 of 4 stars). 4 submissions from 4 submitters: Uncertain significance (3); Likely benign (1). Last evaluated 2024-10-25.

Conditions:
Autosomal recessive nonsyndromic hearing loss 4 (DFNB4). Also called: DEAFNESS, AUTOSOMAL RECESSIVE 4, WITH ENLARGED VESTIBULAR AQUEDUCT, DIGENIC; Deafness, autosomal recessive 4; NEUROSENSORY NONSYNDROMIC RECESSIVE DEAFNESS 4; Deafness, autosomal recessive 4, with enlarged vestibular aqueduct; Enlarged vestibular aqueduct, digenic; Nonsyndromic enlarged vestibular aqueduct (NSEVA). Identifiers: Orphanet 90636, MedGen C3538946, MONDO:0010933, OMIM 600791.

Allele frequency attached by ClinVar (database versions not stated): ESP Exome Variant Server 0.00008; ExAC 0.00022; gnomAD exomes 0.00024.
gnomAD v4.1: 279 of 1,614,164 alleles (0.017%); highest among the groups gnomAD compares: Middle Eastern, 0.3%; no homozygotes.

Submissions (4):

Blueprint Genetics
Classification: Likely benign. Last evaluated: 2024-10-25. Review status: criteria provided, single submitter. Criteria: ACMG Guidelines, 2015. Collection method: clinical testing. Allele origin: germline.

Fulgent Genetics
Classification: Uncertain significance for Autosomal recessive nonsyndromic hearing loss 4. Last evaluated: 2024-05-13. Review status: criteria provided, single submitter. Criteria: ACMG Guidelines, 2015. Collection method: clinical testing. Allele origin: germline.

Labcorp Genetics (formerly Invitae), Labcorp
Classification: Uncertain significance. Last evaluated: 2022-07-17. Review status: criteria provided, single submitter. Criteria: Invitae Variant Classification Sherloc (09022015). Collection method: clinical testing. Allele origin: germline.
Comment: This sequence change replaces proline, which is neutral and non-polar, with leucine, which is neutral and non-polar, at codon 239 of the FOXI1 protein (p.Pro239Leu). This variant is present in population databases (rs371025378, gnomAD 0.07%). This variant has not been reported in the literature in individuals affected with FOXI1-related conditions. ClinVar contains an entry for this variant (Variation ID: 1482646). Algorithms developed to predict the effect of missense changes on protein structure and function output the following: SIFT: "Tolerated"; PolyPhen-2: "Benign"; Align-GVGD: "Class C0". The leucine amino acid residue is found in multiple mammalian species, which suggests that this missense change does not adversely affect protein function. Experimental studies have shown that this missense change does not substantially affect FOXI1 function (PMID: 22285650). In summary, the available evidence is currently insufficient to determine the role of this variant in disease. Therefore, it has been classified as a Variant of Uncertain Significance.

Breakthrough Genomics
Classification: Uncertain significance. Review status: criteria provided, single submitter. Criteria: ACMG Guidelines, 2015. Collection method: not provided. Allele origin: germline. Inheritance: Autosomal recessive inheritance. Affected: yes.

Literature cited by the submitters: PubMed 22285650 (cited by Labcorp Genetics (formerly Invitae), Labcorp).

NM_012188.5(FOXI1):c.716C>T (p.Pro239Leu)

Gene: FOXI1 (forkhead box I1; plus strand). Cytogenetic location: 5q35.1.
Variant type: single nucleotide variant.
Coding change: c.716C>T on transcript NM_012188.5 (MANE Select); coding-DNA position 716, C replaced by T.
Protein change: p.Pro239Leu; replaces proline 239 with leucine.
Molecular consequence: missense variant. On other transcripts: intron variant (1).
Genome position (GRCh38, 1-based): chr5:170,108,190, C>T. VCF-style: chr5-170108190-C-T. GRCh37 (hg19) VCF-style: chr5-169535194-C-T.
Other names: c.575-144C>T (NM_144769.4); short protein forms P239L.
Identifiers: ClinVar variation 1482646 (VCV001482646.6), dbSNP rs371025378, ClinGen allele CA3555083.